The following is an entry in ClinVar:

ClinVar aggregate classification (germline): Benign (1 of 4 stars; one submission).

Conditions:
Osteopetrosis. Identifiers: Orphanet 2781, MedGen C0029454, MONDO:0017198, HP:0011002.

Allele frequency attached by ClinVar (database versions not stated): gnomAD 0.02850 and 0.03040; 1000 Genomes Project 30x 0.03529; TOPMed 0.03138; 1000 Genomes Project 0.03454.

Submission:

Illumina Laboratory Services, Illumina
Classification: Benign for Osteopetrosis. Last evaluated: 2018-01-13. Review status: criteria provided, single submitter. Criteria: ICSL Variant Classification Criteria 13 December 2019. Collection method: clinical testing. Allele origin: germline.
Comment: This variant was observed in the ICSL laboratory as part of a predisposition screen in an ostensibly healthy population. It had not been previously curated by ICSL or reported in the Human Gene Mutation Database (HGMD: prior to June 1st, 2018), and was therefore a candidate for classification through an automated scoring system. Utilizing variant allele frequency, disease prevalence and penetrance estimates, and inheritance mode, an automated score was calculated to assess if this variant is too frequent to cause the disease. Based on the score and internal cut-off values, a variant classified as benign is not then subjected to further curation. The score for this variant resulted in a classification of benign for this disease.

NM_001287.6(CLCN7):c.*990C>T

Gene: CLCN7 (chloride voltage-gated channel 7; minus strand). Cytogenetic location: 16p13.3.
Variant type: single nucleotide variant.
Coding change: c.*990C>T on transcript NM_001287.6 (MANE Select); 990 bases downstream of the stop codon, C replaced by T.
Molecular consequence: 3 prime UTR variant.
Genome position (GRCh38, 1-based): chr16:1,445,641, G>A on the plus strand (C>T on the coding strand, the complement: CLCN7 is on the minus strand). VCF-style: chr16-1445641-G-A. GRCh37 (hg19) VCF-style: chr16-1495642-G-A.
Other names: c.*990C>T (NM_001114331.3).
Identifiers: ClinVar variation 317922 (VCV000317922.5), dbSNP rs114884549, ClinGen allele CA10637113.